The following is an entry in ClinVar:

NM_000179.3(MSH6):c.627+14A>G

Gene: MSH6 (mutS homolog 6; plus strand). Cytogenetic location: 2p16.3.
Variant type: single nucleotide variant.
Coding change: c.627+14A>G on transcript NM_000179.3 (MANE Select); 14 bases into the intron after coding-DNA position 627, A replaced by G.
Molecular consequence: intron variant.
Genome position (GRCh38, 1-based): chr2:47,796,077, A>G. VCF-style: chr2-47796077-A-G. GRCh37 (hg19) VCF-style: chr2-48023216-A-G.
Other names: c.-279-2534A>G (NM_001281493.2); c.238-2534A>G (NM_001281492.2); c.-276+14A>G (NM_001281494.2).
Identifiers: ClinVar variation 491980 (VCV000491980.12), dbSNP rs748977698, ClinGen allele CA532705757.

ClinVar aggregate classification (germline): Conflicting classifications of pathogenicity. Review status: criteria provided, conflicting classifications (1 of 4 stars). 3 submissions from 3 submitters: Uncertain significance (1); Likely benign (2). Last evaluated 2025-07-22.

Conditions:
Hereditary cancer-predisposing syndrome. Also called: Hereditary neoplastic syndrome; Tumor predisposition; Hereditary Cancer Syndrome; Neoplastic Syndromes, Hereditary. Identifiers: Orphanet 140162, MedGen C0027672, MeSH D009386, MONDO:0015356.
Hereditary nonpolyposis colorectal neoplasms. Identifiers: MedGen C0009405, MeSH D003123.

gnomAD v4.1: 3 of 1,613,948 alleles (0.00019%); highest among the groups gnomAD compares: East Asian, 0.0045%; no homozygotes.

Submissions (3):

Labcorp Genetics (formerly Invitae), Labcorp
Classification: Likely benign for Hereditary nonpolyposis colorectal neoplasms. Last evaluated: 2025-07-22. Review status: criteria provided, single submitter. Criteria: Invitae Variant Classification Sherloc (09022015). Collection method: clinical testing. Allele origin: germline.

Color Diagnostics, LLC DBA Color Health
Classification: Likely benign for Hereditary cancer-predisposing syndrome. Last evaluated: 2017-02-12. Review status: criteria provided, single submitter. Criteria: ACMG Guidelines, 2015. Collection method: clinical testing. Allele origin: germline.

Ambry Genetics
Classification: Uncertain significance for Hereditary cancer-predisposing syndrome. Last evaluated: 2014-11-07. Review status: criteria provided, single submitter. Criteria: Ambry Variant Classification Scheme 2023. Collection method: clinical testing. Allele origin: germline.
Comment: The c.627+14A>G intronic alteration consists of a A to G substitution 4 nucleotides after coding exon 3 in the MSH6 gene. Based on insufficient or conflicting evidence, the clinical significance of this alteration remains unclear.